The following is an entry in ClinVar:

ClinVar aggregate classification (germline): Likely pathogenic (1 of 4 stars; one submission).

Conditions:
ZNF469-related disorder. Also called: ZNF469-related condition.

Submission:

PreventionGenetics, part of Exact Sciences
Classification: Likely pathogenic for ZNF469-related condition. Last evaluated: 2025-09-12. Review status: criteria provided, single submitter. Criteria: ACMG Guidelines, 2015. Collection method: clinical testing. Allele origin: germline.
Comment: The ZNF469 c.1196_1203dup8 variant is predicted to result in a frameshift and premature protein termination (p.Pro402Alafs*103). To our knowledge, this variant has not been reported in the literature or in a large population database (gnomAD), indicating this variant is rare. Frameshift variants in ZNF469 are expected to be pathogenic. This variant is interpreted as likely pathogenic.

NM_001367624.2(ZNF469):c.1196_1203dup (p.Pro402fs)

Gene: ZNF469 (zinc finger protein 469; plus strand). Cytogenetic location: 16q24.2.
Variant type: Duplication.
Coding change: c.1196_1203dup on transcript NM_001367624.2 (MANE Select); coding-DNA positions 1196 to 1203, 8 bases duplicated (GCTCCCTA; older notation c.1196_1203dupGCTCCCTA).
Protein change: p.Pro402fs; shifts the reading frame from proline 402.
Molecular consequence: frameshift variant.
Genome position (GRCh38, 1-based): chr16:88,428,666-88,428,673, GCTCCCTA duplicated; duplicating any 8 consecutive bases within chr16:88,428,661-88,428,673 gives the same sequence; the c. name uses the placement nearest the transcript's 3' end. VCF-style (leftmost placement, unchanged base first): chr16-88428660-C-CCCCTAGCT. GRCh37 (hg19) VCF-style: chr16-88495068-C-CCCCTAGCT.
Other names: NM_001127464.2:c.1196_1203dup8; short protein forms P402fs.
Identifiers: ClinVar variation 4993446 (VCV004993446.1).